The following is an entry in ClinVar:

ClinVar aggregate classification (germline): Uncertain significance (1 of 4 stars; one submission).

Submission:

Ambry Genetics
Classification: Uncertain significance. Last evaluated: 2026-04-16. Review status: criteria provided, single submitter. Criteria: Ambry Variant Classification Scheme 2023. Collection method: clinical testing. Allele origin: germline.
Comment: The p.R950L variant (also known as c.2849G>T), located in coding exon 10 of the CDK12 gene, results from a G to T substitution at nucleotide position 2849. The arginine at codon 950 is replaced by leucine, an amino acid with dissimilar properties. This amino acid position is conserved. In addition, the in silico prediction for this alteration is inconclusive. Based on the available evidence, the clinical significance of this variant remains unclear.

NM_016507.4(CDK12):c.2849G>T (p.Arg950Leu)

Gene: CDK12 (cyclin dependent kinase 12; plus strand). Cytogenetic location: 17q12.
Variant type: single nucleotide variant.
Coding change: c.2849G>T on transcript NM_016507.4 (MANE Select); coding-DNA position 2849, G replaced by T.
Protein change: p.Arg950Leu; replaces arginine 950 with leucine.
Molecular consequence: missense variant.
Genome position (GRCh38, 1-based): chr17:39,517,442, G>T. VCF-style: chr17-39517442-G-T. GRCh37 (hg19) VCF-style: chr17-37673695-G-T.
Other names: c.2849G>T, p.Arg950Leu (NM_015083.4); short protein forms R950L.
Identifiers: ClinVar variation 4868491 (VCV004868491.1).
Genomic context (GRCh38, chr17:39,517,442, plus strand): 5'-CGGAATTCATGATGTTGACTCACTCACTCCATTGTTCTTGCTTTTGCTTTGTTTTCAGCC[G>T]ACTTTGTGGTAGCCCTTGTCCAGCTGTGTGGCCTGATGTTATCAAACTGCCCTACTTCAA-3'
Protein context (NP_057591.2, residues 940-960): LELAQLELIS[Arg950Leu]LCGSPCPAVW